The following is an entry in ClinVar:

ClinVar aggregate classification (germline): Uncertain significance (1 of 4 stars; one submission).

Conditions:
Fanconi anemia (FA). Also called: Fanconi's anemia. Identifiers: Orphanet 84, MedGen C0015625, MeSH D005199, MONDO:0019391.

Allele frequency attached by ClinVar (database versions not stated): gnomAD exomes 0.00001; ExAC 0.00002.
gnomAD v4.1: 8 of 1,614,026 alleles (0.0005%); highest among the groups gnomAD compares: South Asian, 0.0088%; no homozygotes.

Submission:

Labcorp Genetics (formerly Invitae), Labcorp
Classification: Uncertain significance for Fanconi anemia. Last evaluated: 2021-08-27. Review status: criteria provided, single submitter. Criteria: Invitae Variant Classification Sherloc (09022015). Collection method: clinical testing. Allele origin: germline.
Comment: This sequence change replaces glycine with serine at codon 524 of the FANCC protein (p.Gly524Ser). The glycine residue is moderately conserved and there is a small physicochemical difference between glycine and serine. This variant is present in population databases (rs755289392, ExAC 0.01%). This variant has not been reported in the literature in individuals affected with FANCC-related conditions. Algorithms developed to predict the effect of missense changes on protein structure and function output the following: SIFT: "Tolerated"; PolyPhen-2: "Benign"; Align-GVGD: "Class C0". The serine amino acid residue is found in multiple mammalian species, which suggests that this missense change does not adversely affect protein function. In summary, the available evidence is currently insufficient to determine the role of this variant in disease. Therefore, it has been classified as a Variant of Uncertain Significance.

NM_000136.3(FANCC):c.1570G>A (p.Gly524Ser)

Genes: AOPEP (aminopeptidase O (putative); plus strand), FANCC (FA complementation group C; minus strand). Cytogenetic location: 9q22.32.
Variant type: single nucleotide variant.
Coding change: c.1570G>A on transcript NM_000136.3 (MANE Select); coding-DNA position 1570, G replaced by A.
Protein change: p.Gly524Ser; replaces glycine 524 with serine.
Molecular consequence: missense variant.
Genome position (GRCh38, 1-based): chr9:95,101,814, C>T on the plus strand (G>A on the coding strand, the complement: FANCC is on the minus strand). VCF-style: chr9-95101814-C-T. GRCh37 (hg19) VCF-style: chr9-97864096-C-T.
Other names: c.1570G>A, p.Gly524Ser (NM_001243743.2); short protein forms G524S.
Identifiers: ClinVar variation 651971 (VCV000651971.6), dbSNP rs755289392, ClinGen allele CA5137295.